The following is an entry in ClinVar:

NM_005045.4(RELN):c.7016C>T (p.Pro2339Leu)

Gene: RELN (reelin; minus strand). Cytogenetic location: 7q22.1.
Variant type: single nucleotide variant.
Coding change: c.7016C>T on transcript NM_005045.4 (MANE Select); coding-DNA position 7016, C replaced by T.
Protein change: p.Pro2339Leu; replaces proline 2339 with leucine.
Molecular consequence: missense variant.
Genome position (GRCh38, 1-based): chr7:103,539,242, G>A on the plus strand (C>T on the coding strand, the complement: RELN is on the minus strand). VCF-style: chr7-103539242-G-A. GRCh37 (hg19) VCF-style: chr7-103179689-G-A.
Other names: c.7016C>T, p.Pro2339Leu (NM_173054.3); short protein forms P2339L.
Identifiers: ClinVar variation 4793147 (VCV004793147.1).

ClinVar aggregate classification (germline): Uncertain significance (1 of 4 stars; one submission).

Conditions:
Norman-Roberts syndrome (LIS2). Also called: Lissencephaly 2 (Norman-Roberts type). Identifiers: Orphanet 89844, MedGen C0796089, MONDO:0009760, OMIM 257320.
Familial temporal lobe epilepsy 7. Identifiers: Orphanet 101046, MedGen C4225327, MONDO:0014639, OMIM 616436.

gnomAD v4.1: 1 of 1,614,234 alleles (0.000062%); highest among the groups gnomAD compares: East Asian, 0.0022%; no homozygotes.

Submission:

Labcorp Genetics (formerly Invitae), Labcorp
Classification: Uncertain significance for Familial temporal lobe epilepsy 7; Norman-Roberts syndrome. Last evaluated: 2025-05-22. Review status: criteria provided, single submitter. Criteria: Invitae Variant Classification Sherloc (09022015). Collection method: clinical testing. Allele origin: germline.
Comment: This sequence change replaces proline, which is neutral and non-polar, with leucine, which is neutral and non-polar, at codon 2339 of the RELN protein (p.Pro2339Leu). This variant is not present in population databases (gnomAD no frequency). This variant has not been reported in the literature in individuals affected with RELN-related conditions. Invitae Evidence Modeling of protein sequence and biophysical properties (such as structural, functional, and spatial information, amino acid conservation, physicochemical variation, residue mobility, and thermodynamic stability) indicates that this missense variant is not expected to disrupt RELN protein function with a negative predictive value of 80%. In summary, the available evidence is currently insufficient to determine the role of this variant in disease. Therefore, it has been classified as a Variant of Uncertain Significance.